The following is an entry in ClinVar:

NM_133642.5(LARGE1):c.535G>A (p.Glu179Lys)

Gene: LARGE1 (LARGE xylosyl- and glucuronyltransferase 1; minus strand). Cytogenetic location: 22q12.3.
Variant type: single nucleotide variant.
Coding change: c.535G>A on transcript NM_133642.5 (MANE Select); coding-DNA position 535, G replaced by A.
Protein change: p.Glu179Lys; replaces glutamic acid 179 with lysine.
Molecular consequence: missense variant.
Genome position (GRCh38, 1-based): chr22:33,604,515, C>T on the plus strand (G>A on the coding strand, the complement: LARGE1 is on the minus strand). VCF-style: chr22-33604515-C-T. GRCh37 (hg19) VCF-style: chr22-34000501-C-T.
Other names: c.535G>A, p.Glu179Lys (NM_001362949.2, NM_001362951.2, NM_001362953.2 and 7 more transcripts); short protein forms E179K.
Identifiers: ClinVar variation 1026631 (VCV001026631.36), dbSNP rs370128137, ClinGen allele CA10203007.

ClinVar aggregate classification (germline): Conflicting classifications of pathogenicity. Review status: criteria provided, conflicting classifications (1 of 4 stars). 4 submissions from 4 submitters: Uncertain significance (2); Likely benign (2). Last evaluated 2025-02-16.

Conditions:
Muscular dystrophy-dystroglycanopathy type B6 (MDDGB6). Also called: MUSCULAR DYSTROPHY-DYSTROGLYCANOPATHY (CONGENITAL WITH IMPAIRED INTELLECTUAL DEVELOPMENT), TYPE B, 6; MUSCULAR DYSTROPHY, CONGENITAL, LARGE-RELATED; MUSCULAR DYSTROPHY, CONGENITAL, TYPE 1D. Identifiers: MedGen C1837229, MONDO:0012138, OMIM 608840.

Allele frequency attached by ClinVar (database versions not stated): TOPMed 0.00003; gnomAD exomes 0.00006 and 0.00010; ESP Exome Variant Server 0.00008; ExAC 0.00017; gnomAD 0.00025 and 0.00026.
gnomAD v4.1: 127 of 1,613,966 alleles (0.0079%); highest among the groups gnomAD compares: Admixed American, 0.012%; 1 homozygote.

Submissions (4):

Laboratory of Genetics, Children's Clinical University Hospital Latvia
Classification: Likely benign. Last evaluated: 2025-02-16. Review status: criteria provided, single submitter. Criteria: ACMG Guidelines, 2015. Collection method: clinical testing. Allele origin: germline. Affected: yes.

Blueprint Genetics
Classification: Likely benign. Last evaluated: 2024-06-27. Review status: criteria provided, single submitter. Criteria: ACMG Guidelines, 2015. Collection method: clinical testing. Allele origin: germline.

Labcorp Genetics (formerly Invitae), Labcorp
Classification: Uncertain significance for Muscular dystrophy-dystroglycanopathy type B6. Last evaluated: 2024-06-26. Review status: criteria provided, single submitter. Criteria: Invitae Variant Classification Sherloc (09022015). Collection method: clinical testing. Allele origin: germline.
Comment: This sequence change replaces glutamic acid, which is acidic and polar, with lysine, which is basic and polar, at codon 179 of the LARGE1 protein (p.Glu179Lys). This variant is present in population databases (rs370128137, gnomAD 0.04%). This variant has not been reported in the literature in individuals affected with LARGE1-related conditions. ClinVar contains an entry for this variant (Variation ID: 1026631). Advanced modeling of protein sequence and biophysical properties (such as structural, functional, and spatial information, amino acid conservation, physicochemical variation, residue mobility, and thermodynamic stability) performed at Invitae indicates that this missense variant is not expected to disrupt LARGE1 protein function with a negative predictive value of 80%. In summary, the available evidence is currently insufficient to determine the role of this variant in disease. Therefore, it has been classified as a Variant of Uncertain Significance.

CeGaT Center for Human Genetics Tuebingen
Classification: Uncertain significance. Last evaluated: 2022-08-01. Review status: criteria provided, single submitter. Criteria: CeGaT Center For Human Genetics Tuebingen Variant Classification Criteria Version 2. Collection method: clinical testing. Allele origin: germline. Affected: yes. Observed: 1 variant allele.
Comment: LARGE1: PM2, BP4